The following is an entry in ClinVar:

ClinVar aggregate classification (germline): Likely pathogenic (1 of 4 stars; one submission).

Conditions:
Hypertrophic cardiomyopathy. Also called: HYPERTROPHIC MYOCARDIOPATHY. Identifiers: Orphanet 217569, MedGen C0007194, MeSH D002312, MONDO:0005045, HP:0001639.

Submission:

Labcorp Genetics (formerly Invitae), Labcorp
Classification: Likely pathogenic for Hypertrophic cardiomyopathy. Last evaluated: 2024-11-26. Review status: criteria provided, single submitter. Criteria: Invitae Variant Classification Sherloc (09022015). Collection method: clinical testing. Allele origin: germline.
Comment: This sequence change affects an acceptor splice site in intron 6 of the MYBPC3 gene. It is expected to disrupt RNA splicing. Variants that disrupt the donor or acceptor splice site typically lead to a loss of protein function (PMID: 16199547), and loss-of-function variants in MYBPC3 are known to be pathogenic (PMID: 19574547). This variant is not present in population databases (gnomAD no frequency). This variant has not been reported in the literature in individuals affected with MYBPC3-related conditions. Algorithms developed to predict the effect of sequence changes on RNA splicing suggest that this variant may disrupt the consensus splice site. In summary, the currently available evidence indicates that the variant is pathogenic, but additional data are needed to prove that conclusively. Therefore, this variant has been classified as Likely Pathogenic.

Literature cited by the submitters: PubMed 16199547; PubMed 19574547.

NM_000256.3(MYBPC3):c.773-1G>A

Gene: MYBPC3 (myosin binding protein C3; minus strand). Cytogenetic location: 11p11.2.
Variant type: single nucleotide variant.
Coding change: c.773-1G>A on transcript NM_000256.3 (MANE Select); the canonical splice acceptor site of the intron before coding-DNA position 773, G replaced by A.
Molecular consequence: splice acceptor variant.
Genome position (GRCh38, 1-based): chr11:47,347,906, C>T on the plus strand (G>A on the coding strand, the complement: MYBPC3 is on the minus strand). VCF-style: chr11-47347906-C-T. GRCh37 (hg19) VCF-style: chr11-47369457-C-T.
Identifiers: ClinVar variation 3725737 (VCV003725737.2).